The following is an entry in ClinVar:

NM_001018113.3(FANCB):c.1865T>C (p.Leu622Ser)

Gene: FANCB (FA complementation group B; minus strand). Cytogenetic location: Xp22.2.
Variant type: single nucleotide variant.
Coding change: c.1865T>C on transcript NM_001018113.3 (MANE Select); coding-DNA position 1865, T replaced by C.
Protein change: p.Leu622Ser; replaces leucine 622 with serine.
Molecular consequence: missense variant.
Genome position (GRCh38, 1-based): chrX:14,844,918, A>G on the plus strand (T>C on the coding strand, the complement: FANCB is on the minus strand). VCF-style: chrX-14844918-A-G. GRCh37 (hg19) VCF-style: chrX-14863040-A-G.
Other names: c.1865T>C, p.Leu622Ser (NM_001324162.2, NM_001410764.1, NM_152633.4); short protein forms L622S.
Identifiers: ClinVar variation 2086642 (VCV002086642.4), dbSNP rs2518952581, ClinGen allele CA412439454.
Genomic context (GRCh38, chrX:14,844,918, plus strand): 5'-ATAGGTTTCTTCTTTGGAAATGTCAGTAGGTACTTCCCAGTTGAAAGATCTTCTAGACTT[A>G]AAAAAACTCTGCCACACACAACATAACGATCTTTAGGACAGTTACCACTTTCTCTCTCCA-3'
Protein context (NP_001018123.1, residues 612-632): DRYVVCGRVF[Leu622Ser]SLEDLSTGKY

ClinVar aggregate classification (germline): Uncertain significance (1 of 4 stars; one submission).

Conditions:
Fanconi anemia (FA). Also called: Fanconi's anemia. Identifiers: Orphanet 84, MedGen C0015625, MeSH D005199, MONDO:0019391.

Submission:

Labcorp Genetics (formerly Invitae), Labcorp
Classification: Uncertain significance for Fanconi anemia. Last evaluated: 2022-01-17. Review status: criteria provided, single submitter. Criteria: Invitae Variant Classification Sherloc (09022015). Collection method: clinical testing. Allele origin: germline.
Comment: This sequence change replaces leucine, which is neutral and non-polar, with serine, which is neutral and polar, at codon 622 of the FANCB protein (p.Leu622Ser). Algorithms developed to predict the effect of missense changes on protein structure and function are either unavailable or do not agree on the potential impact of this missense change (SIFT: "Deleterious"; PolyPhen-2: "Possibly Damaging"; Align-GVGD: "Class C0"). In summary, the available evidence is currently insufficient to determine the role of this variant in disease. Therefore, it has been classified as a Variant of Uncertain Significance. This variant has not been reported in the literature in individuals affected with FANCB-related conditions. This variant is not present in population databases (gnomAD no frequency).